The following is an entry in ClinVar:

NM_001734.5(C1S):c.1214G>A (p.Gly405Asp)

Gene: C1S (complement C1s; plus strand). Cytogenetic location: 12p13.31.
Variant type: single nucleotide variant.
Coding change: c.1214G>A on transcript NM_001734.5 (MANE Select); coding-DNA position 1214, G replaced by A.
Protein change: p.Gly405Asp; replaces glycine 405 with aspartic acid.
Molecular consequence: missense variant.
Genome position (GRCh38, 1-based): chr12:7,068,474, G>A. VCF-style: chr12-7068474-G-A. GRCh37 (hg19) VCF-style: chr12-7175778-G-A.
Other names: c.713G>A, p.Gly238Asp (NM_001346850.2); c.1214G>A, p.Gly405Asp (NM_201442.4); short protein forms G238D, G405D.
Identifiers: ClinVar variation 3606918 (VCV003606918.2).

ClinVar aggregate classification (germline): Uncertain significance (1 of 4 stars; one submission).

Submission:

Labcorp Genetics (formerly Invitae), Labcorp
Classification: Uncertain significance. Last evaluated: 2025-06-30. Review status: criteria provided, single submitter. Criteria: Invitae Variant Classification Sherloc (09022015). Collection method: clinical testing. Allele origin: germline.
Comment: This sequence change replaces glycine, which is neutral and non-polar, with aspartic acid, which is acidic and polar, at codon 405 of the C1S protein (p.Gly405Asp). This variant is present in population databases (rs782440456, gnomAD 0.0009%). This variant has not been reported in the literature in individuals affected with C1S-related conditions. ClinVar contains an entry for this variant (Variation ID: 3606918). Invitae Evidence Modeling of protein sequence and biophysical properties (such as structural, functional, and spatial information, amino acid conservation, physicochemical variation, residue mobility, and thermodynamic stability) indicates that this missense variant is not expected to disrupt C1S protein function with a negative predictive value of 80%. In summary, the available evidence is currently insufficient to determine the role of this variant in disease. Therefore, it has been classified as a Variant of Uncertain Significance.